The following is an entry in ClinVar:

ClinVar aggregate classification (germline): Uncertain significance (1 of 4 stars; one submission).

Conditions:
Atypical hemolytic-uremic syndrome with MCP/CD46 anomaly. Also called: HEMOLYTIC UREMIC SYNDROME, ATYPICAL, SUSCEPTIBILITY TO, 2; AHUS, SUSCEPTIBILITY TO, 2. Identifiers: Orphanet 2134, MedGen C2752040, MONDO:0013040, OMIM 612922.

Submission:

Baylor Genetics
Classification: Uncertain significance for Atypical hemolytic-uremic syndrome with MCP/CD46 anomaly. Last evaluated: 2020-05-05. Review status: criteria provided, single submitter. Criteria: ACMG Guidelines, 2015. Collection method: clinical testing. Allele origin: unknown. Affected: yes.
Comment: This variant was determined to be of uncertain significance according to ACMG Guidelines, 2015 [PMID:25741868].

NM_172351.3(CD46):c.558_559delinsCC (p.Val187Leu)

Gene: CD46 (CD46 molecule; plus strand). Cytogenetic location: 1q32.2.
Variant type: Indel.
Coding change: c.558_559delinsCC on transcript NM_172351.3 (MANE Select); coding-DNA positions 558 to 559, AG replaced by CC.
Protein change: p.Val187Leu; replaces valine 187 with leucine.
Molecular consequence: missense variant.
Genome position (GRCh38, 1-based): chr1:207,761,331-207,761,332, AG replaced by CC. VCF-style: chr1-207761331-AG-CC. GRCh37 (hg19) VCF-style: chr1-207934676-AG-CC.
Other names: c.558_559delinsCC, p.Val187Leu (NM_002389.4, NM_153826.4, NM_172350.3 and 8 more transcripts); short protein forms V187L.
Identifiers: ClinVar variation 1029593 (VCV001029593.1), dbSNP rs1656184011, ClinGen allele CA2483520582.